The following is an entry in ClinVar:

NM_001006658.3(CR2):c.3006dup (p.Gly1003fs)

Gene: CR2 (complement C3d receptor 2; plus strand). Cytogenetic location: 1q32.2.
Variant type: Duplication.
Coding change: c.3006dup on transcript NM_001006658.3 (MANE Select); coding-DNA position 3006, one base duplicated (T; older notation c.3006dupT).
Protein change: p.Gly1003fs; shifts the reading frame from glycine 1003.
Molecular consequence: frameshift variant.
Genome position (GRCh38, 1-based): chr1:207,477,988, T duplicated. VCF-style (leftmost placement, unchanged base first): chr1-207477987-A-AT. GRCh37 (hg19) VCF-style: chr1-207651332-A-AT.
Other names: c.2829dup, p.Gly944fs (NM_001877.5); short protein forms G1003fs, G944fs.
Identifiers: ClinVar variation 4813834 (VCV004813834.1).

ClinVar aggregate classification (germline): Likely pathogenic (1 of 4 stars; one submission).

Conditions:
Autosomal recessive CR2-related disorders.

Submission:

Variantyx, Inc.
Classification: Likely pathogenic for Autosomal recessive CR2-related disorders. Last evaluated: 2025-04-20. Review status: criteria provided, single submitter. Criteria: Variantyx Assertion Criteria 2022. Collection method: clinical testing. Allele origin: germline. Inheritance: Autosomal recessive inheritance. Affected: no.
Comment: This is a frameshift variant in the CR2 gene (OMIM: 120650). Pathogenic variants in this gene have been associated with autosomal recessive CR2-related disorders. This variant introduces a premature termination codon in exon 16 out of 20 and it is expected to result in loss of function, which is a known disease mechanism for CR2 in this disorder (PMID:26325596, 28499783, 38817346) (PVS1). This variant has a 0.0001% maximum allele frequency in non-founder control populations (PM2). and it has not been rpreviously eported in individuals with CR2-related disorders in the databases available for review. Based on the current evidence, this variant is classified as likely pathogenic for autosomal recessive CR2-related disorders.

Literature cited by the submitters: PubMed 26325596; PubMed 28499783; PubMed 38817346.